The following is an entry in ClinVar:

NM_001005242.3(PKP2):c.83C>G (p.Ser28Cys)

Gene: PKP2 (plakophilin 2; minus strand). Cytogenetic location: 12p11.21.
Variant type: single nucleotide variant.
Coding change: c.83C>G on transcript NM_001005242.3 (MANE Select); coding-DNA position 83, C replaced by G.
Protein change: p.Ser28Cys; replaces serine 28 with cysteine.
Molecular consequence: missense variant. On other transcripts: 5 prime UTR variant (4).
Genome position (GRCh38, 1-based): chr12:32,896,649, G>C on the plus strand (C>G on the coding strand, the complement: PKP2 is on the minus strand). VCF-style: chr12-32896649-G-C. GRCh37 (hg19) VCF-style: chr12-33049583-G-C.
Other names: c.-744C>G (NM_001407158.1, NM_001407162.1); c.-508C>G (NM_001407159.1, NM_001407160.1); c.83C>G, p.Ser28Cys (NM_001407161.1, NM_004572.4, NM_001407155.1 and 2 more transcripts); short protein forms S28C.
Identifiers: ClinVar variation 5026791 (VCV005026791.1).
Genomic context (GRCh38, chr12:32,896,649, plus strand): 5'-CCGCCGCGGCCGCTGCTCCCCGCCAGCTTCAGCTTGGCCTCGGAGGGCAGCGCCAGGCTG[G>C]AGCTGTCCAGTTGTCCCAGGATCTGCTGGCCCAGGACGGTCCGGATGTAGCCGTACTCAG-3'
Protein context (NP_001005242.2, residues 18-38): GQQILGQLDS[Ser28Cys]SLALPSEAKL

ClinVar aggregate classification (germline): Uncertain significance (1 of 4 stars; one submission).

Conditions:
Cardiovascular phenotype. Identifiers: MedGen CN230736.

Submission:

Ambry Genetics
Classification: Uncertain significance for Cardiovascular phenotype. Last evaluated: 2026-09-04. Review status: criteria provided, single submitter. Criteria: Ambry Variant Classification Scheme 2023. Collection method: clinical testing. Allele origin: germline.
Comment: The p.S28C variant (also known as c.83C>G), located in coding exon 1 of the PKP2 gene, results from a C to G substitution at nucleotide position 83. The serine at codon 28 is replaced by cysteine, an amino acid with dissimilar properties. This amino acid position is conserved. In addition, the in silico prediction for this alteration is inconclusive. Based on the available evidence, the clinical significance of this variant remains unclear.